The following is an entry in ClinVar:

NM_000384.3(APOB):c.1605G>C (p.Glu535Asp)

Gene: APOB (apolipoprotein B; minus strand). Cytogenetic location: 2p24.1.
Variant type: single nucleotide variant.
Coding change: c.1605G>C on transcript NM_000384.3 (MANE Select); coding-DNA position 1605, G replaced by C.
Protein change: p.Glu535Asp; replaces glutamic acid 535 with aspartic acid.
Molecular consequence: missense variant.
Genome position (GRCh38, 1-based): chr2:21,029,651, C>G on the plus strand (G>C on the coding strand, the complement: APOB is on the minus strand). VCF-style: chr2-21029651-C-G. GRCh37 (hg19) VCF-style: chr2-21252523-C-G.
Other names: short protein forms E535D.
Identifiers: ClinVar variation 5027910 (VCV005027910.1).
Genomic context (GRCh38, chr2:21,029,651, plus strand): 5'-TCCTTGTTAATAAACTTTCACTTTCAGACCTCTTCTTGTGGACTTTACCTTGTCTTTAGG[C>G]TCCATTTTCCGCAGAGCCTGGATGGCAGCTTTCTGGATCATCAGTGATGGCTTTGTACTT-3'
Protein context (NP_000375.3, residues 525-545): KAAIQALRKM[Glu535Asp]PKDKDQEVLL

ClinVar aggregate classification (germline): Uncertain significance (1 of 4 stars; one submission).

Conditions:
Cardiovascular phenotype. Identifiers: MedGen CN230736.

Submission:

Ambry Genetics
Classification: Uncertain significance for Cardiovascular phenotype. Last evaluated: 2026-08-22. Review status: criteria provided, single submitter. Criteria: Ambry Variant Classification Scheme 2023. Collection method: clinical testing. Allele origin: germline.
Comment: The p.E535D variant (also known as c.1605G>C), located in coding exon 12 of the APOB gene, results from a G to C substitution at nucleotide position 1605. The glutamic acid at codon 535 is replaced by aspartic acid, an amino acid with highly similar properties. This amino acid position is conserved. In addition, this alteration is predicted to be tolerated by in silico analysis. Based on the available evidence, the clinical significance of this variant remains unclear.